The following is an entry in ClinVar:

NM_001352514.2(HLCS):c.2076G>A (p.Met692Ile)

Gene: HLCS (holocarboxylase synthetase; minus strand). Cytogenetic location: 21q22.13.
Variant type: single nucleotide variant.
Coding change: c.2076G>A on transcript NM_001352514.2 (MANE Select); coding-DNA position 2076, G replaced by A.
Protein change: p.Met692Ile; replaces methionine 692 with isoleucine.
Molecular consequence: missense variant. On other transcripts: non-coding transcript variant (2).
Genome position (GRCh38, 1-based): chr21:36,765,057, C>T on the plus strand (G>A on the coding strand, the complement: HLCS is on the minus strand). VCF-style: chr21-36765057-C-T. GRCh37 (hg19) VCF-style: chr21-38137358-C-T.
Other names: c.1635G>A, p.Met545Ile (NM_000411.8, NM_001242784.3, NM_001242785.2 and 4 more transcripts); short protein forms M545I, M692I.
Identifiers: ClinVar variation 1438801 (VCV001438801.5), dbSNP rs1460453809, ClinGen allele CA409920767.

ClinVar aggregate classification (germline): Uncertain significance (1 of 4 stars; one submission).

Conditions:
Holocarboxylase synthetase deficiency. Also called: MULTIPLE CARBOXYLASE DEFICIENCY, EARLY ONSET. Identifiers: Orphanet 79242, MedGen C0268581, MONDO:0009666, OMIM 253270.

Allele frequency attached by ClinVar (database versions not stated): gnomAD exomes below 0.00001; gnomAD 0.00001; TOPMed 0.00001.
gnomAD v4.1: 5 of 1,614,104 alleles (0.00031%); highest among the groups gnomAD compares: African/African-American, 0.004%; no homozygotes.

Submission:

Labcorp Genetics (formerly Invitae), Labcorp
Classification: Uncertain significance for Holocarboxylase synthetase deficiency. Last evaluated: 2021-08-31. Review status: criteria provided, single submitter. Criteria: Invitae Variant Classification Sherloc (09022015). Collection method: clinical testing. Allele origin: germline.
Comment: This sequence change replaces methionine with isoleucine at codon 545 of the HLCS protein (p.Met545Ile). The methionine residue is weakly conserved and there is a small physicochemical difference between methionine and isoleucine. This variant is not present in population databases (ExAC no frequency). This variant has not been reported in the literature in individuals affected with HLCS-related conditions. Advanced modeling of protein sequence and biophysical properties (such as structural, functional, and spatial information, amino acid conservation, physicochemical variation, residue mobility, and thermodynamic stability) performed at Invitae indicates that this missense variant is not expected to disrupt HLCS protein function. In summary, the available evidence is currently insufficient to determine the role of this variant in disease. Therefore, it has been classified as a Variant of Uncertain Significance.